The following is an entry in ClinVar:

ClinVar aggregate classification (germline): Uncertain significance. Review status: criteria provided, multiple submitters, no conflicts (2 of 4 stars). 3 submissions from 3 submitters: Uncertain significance (3). Last evaluated 2025-11-23.

Allele frequency attached by ClinVar (database versions not stated): ExAC 0.00002; gnomAD exomes 0.00002 and 0.00003; gnomAD 0.00005 and 0.00006; ESP Exome Variant Server 0.00008; TOPMed 0.00010.
gnomAD v4.1: 40 of 1,613,792 alleles (0.0025%); highest among the groups gnomAD compares: African/African-American, 0.029%; no homozygotes.

Submissions (3):

Labcorp Genetics (formerly Invitae), Labcorp
Classification: Uncertain significance. Last evaluated: 2025-11-23. Review status: criteria provided, single submitter. Criteria: Invitae Variant Classification Sherloc (09022015). Collection method: clinical testing. Allele origin: germline.
Comment: This sequence change replaces aspartic acid, which is acidic and polar, with asparagine, which is neutral and polar, at codon 323 of the RELA protein (p.Asp323Asn). This variant is present in population databases (rs138794116, gnomAD 0.01%). This variant has not been reported in the literature in individuals affected with RELA-related conditions. ClinVar contains an entry for this variant (Variation ID: 1502544). An algorithm developed to predict the effect of missense changes on protein structure and function (PolyPhen-2) suggests that this variant is likely to be tolerated. In summary, the available evidence is currently insufficient to determine the role of this variant in disease. Therefore, it has been classified as a Variant of Uncertain Significance.

Ambry Genetics
Classification: Uncertain significance. Last evaluated: 2025-10-03. Review status: criteria provided, single submitter. Criteria: Ambry Variant Classification Scheme 2023. Collection method: clinical testing. Allele origin: germline.

Breakthrough Genomics
Classification: Uncertain significance. Review status: criteria provided, single submitter. Criteria: ACMG Guidelines, 2015. Collection method: not provided. Allele origin: germline. Inheritance: Autosomal dominant inheritance. Affected: yes.

NM_021975.4(RELA):c.967G>A (p.Asp323Asn)

Gene: RELA (RELA proto-oncogene, NF-kB subunit; minus strand). Cytogenetic location: 11q13.1.
Variant type: single nucleotide variant.
Coding change: c.967G>A on transcript NM_021975.4 (MANE Select); coding-DNA position 967, G replaced by A.
Protein change: p.Asp323Asn; replaces aspartic acid 323 with asparagine.
Molecular consequence: missense variant.
Genome position (GRCh38, 1-based): chr11:65,655,754, C>T on the plus strand (G>A on the coding strand, the complement: RELA is on the minus strand). VCF-style: chr11-65655754-C-T. GRCh37 (hg19) VCF-style: chr11-65423225-C-T.
Other names: c.958G>A, p.Asp320Asn (NM_001145138.2); c.967G>A, p.Asp323Asn (NM_001243984.2, NM_001243985.2); c.967G>A (NM_021975.3); short protein forms D323N, D320N.
Identifiers: ClinVar variation 1502544 (VCV001502544.9), dbSNP rs138794116, ClinGen allele CA6106713.